The following is an entry in ClinVar:

ClinVar aggregate classification (germline): Uncertain significance (1 of 4 stars; one submission).

Conditions:
Emery-Dreifuss muscular dystrophy 5, autosomal dominant (EDMD5). Also called: EMERY-DREIFUSS MUSCULAR DYSTROPHY 5. Identifiers: Orphanet 261, MedGen C2751805, MONDO:0013072, OMIM 612999.

Submission:

Labcorp Genetics (formerly Invitae), Labcorp
Classification: Uncertain significance for Emery-Dreifuss muscular dystrophy 5, autosomal dominant. Last evaluated: 2025-03-30. Review status: criteria provided, single submitter. Criteria: Invitae Variant Classification Sherloc (09022015). Collection method: clinical testing. Allele origin: germline.
Comment: This sequence change creates a premature translational stop signal (p.Cys587Trpfs*11) in the SYNE2 gene. It is expected to result in an absent or disrupted protein product. However, the current clinical and genetic evidence is not sufficient to establish whether loss-of-function variants in SYNE2 cause disease. This variant is not present in population databases (gnomAD no frequency). This variant has not been reported in the literature in individuals affected with SYNE2-related conditions. In summary, the available evidence is currently insufficient to determine the role of this variant in disease. Therefore, it has been classified as a Variant of Uncertain Significance.

NM_182914.3(SYNE2):c.1761_1764del (p.Cys587fs)

Gene: SYNE2 (spectrin repeat containing nuclear envelope protein 2; plus strand). Cytogenetic location: 14q23.2.
Variant type: Deletion.
Coding change: c.1761_1764del on transcript NM_182914.3 (MANE Select); coding-DNA positions 1761 to 1764, 4 bases deleted (TTGG; older notation c.1761_1764delTTGG).
Protein change: p.Cys587fs; shifts the reading frame from cysteine 587.
Molecular consequence: frameshift variant.
Genome position (GRCh38, 1-based): chr14:63,981,098-63,981,101, TTGG deleted; deleting any 4 consecutive bases within chr14:63,981,097-63,981,101 gives the same sequence; the c. name uses the placement nearest the transcript's 3' end. VCF-style (leftmost placement, unchanged base first): chr14-63981096-TGTTG-T. GRCh37 (hg19) VCF-style: chr14-64447814-TGTTG-T.
Other names: c.1761_1764del, p.Cys587fs (NM_015180.6); short protein forms C587fs.
Identifiers: ClinVar variation 4716322 (VCV004716322.1).